The following is an entry in ClinVar:

NM_000064.4(C3):c.2099A>G (p.Glu700Gly)

Gene: C3 (complement C3; minus strand). Cytogenetic location: 19p13.3.
Variant type: single nucleotide variant.
Coding change: c.2099A>G on transcript NM_000064.4 (MANE Select); coding-DNA position 2099, A replaced by G.
Protein change: p.Glu700Gly; replaces glutamic acid 700 with glycine.
Molecular consequence: missense variant.
Genome position (GRCh38, 1-based): chr19:6,707,222, T>C on the plus strand (A>G on the coding strand, the complement: C3 is on the minus strand). VCF-style: chr19-6707222-T-C. GRCh37 (hg19) VCF-style: chr19-6707233-T-C.
Other names: short protein forms E700G.
Identifiers: ClinVar variation 2801879 (VCV002801879.3), dbSNP rs2512258136, ClinGen allele CA403637292.

ClinVar aggregate classification (germline): Uncertain significance (1 of 4 stars; one submission).

Submission:

Labcorp Genetics (formerly Invitae), Labcorp
Classification: Uncertain significance. Last evaluated: 2023-08-14. Review status: criteria provided, single submitter. Criteria: Invitae Variant Classification Sherloc (09022015). Collection method: clinical testing. Allele origin: germline.
Comment: In summary, the available evidence is currently insufficient to determine the role of this variant in disease. Therefore, it has been classified as a Variant of Uncertain Significance. This sequence change replaces glutamic acid, which is acidic and polar, with glycine, which is neutral and non-polar, at codon 700 of the C3 protein (p.Glu700Gly). This variant is not present in population databases (gnomAD no frequency). This variant has not been reported in the literature in individuals affected with C3-related conditions. Advanced modeling of protein sequence and biophysical properties (such as structural, functional, and spatial information, amino acid conservation, physicochemical variation, residue mobility, and thermodynamic stability) performed at Invitae indicates that this missense variant is not expected to disrupt C3 protein function.